The following is an entry in ClinVar:

ClinVar aggregate classification (germline): Uncertain significance (1 of 4 stars; one submission).

Allele frequency attached by ClinVar (database versions not stated): gnomAD exomes below 0.00001 and 0.00001; ExAC 0.00001; gnomAD 0.00002; TOPMed 0.00002.
gnomAD v4.1: 7 of 1,209,640 alleles (0.00058%); highest among the groups gnomAD compares: Middle Eastern, 0.023%; no homozygotes.

Submission:

GeneDx
Classification: Uncertain significance. Last evaluated: 2023-09-25. Review status: criteria provided, single submitter. Criteria: GeneDx Variant Classification Process June 2021. Collection method: clinical testing. Allele origin: germline. Affected: yes.
Comment: In silico analysis supports that this missense variant does not alter protein structure/function; Has not been previously published as pathogenic or benign to our knowledge

NM_014271.4(IL1RAPL1):c.1982G>A (p.Arg661Gln)

Gene: IL1RAPL1 (interleukin 1 receptor accessory protein like 1; plus strand). Cytogenetic location: Xp21.2.
Variant type: single nucleotide variant.
Coding change: c.1982G>A on transcript NM_014271.4 (MANE Select); coding-DNA position 1982, G replaced by A.
Protein change: p.Arg661Gln; replaces arginine 661 with glutamine.
Molecular consequence: missense variant.
Genome position (GRCh38, 1-based): chrX:29,955,711, G>A. VCF-style: chrX-29955711-G-A. GRCh37 (hg19) VCF-style: chrX-29973828-G-A.
Other names: short protein forms R661Q.
Identifiers: ClinVar variation 1696968 (VCV001696968.4), dbSNP rs772187082, ClinGen allele CA10375631.
Genomic context (GRCh38, chrX:29,955,711, plus strand): 5'-CCTCCATAGGCAATCAGCATACCTACTGTAACATCCCTATGACACTCATCAACGGGCAGC[G>A]GCCACAGACAAAATCGAGCAGGGAGCAGAATCCAGATGAGGCCCACACAAACAGTGCCAT-3'
Protein context (NP_055086.1, residues 651-671): NIPMTLINGQ[Arg661Gln]PQTKSSREQN